The following is an entry in ClinVar:

NM_000245.4(MET):c.3191A>G (p.Gln1064Arg)

Gene: MET (MET proto-oncogene, receptor tyrosine kinase; plus strand). Cytogenetic location: 7q31.2.
Variant type: single nucleotide variant.
Coding change: c.3191A>G on transcript NM_000245.4 (MANE Select); coding-DNA position 3191, A replaced by G.
Protein change: p.Gln1064Arg; replaces glutamine 1064 with arginine.
Molecular consequence: missense variant.
Genome position (GRCh38, 1-based): chr7:116,775,043, A>G. VCF-style: chr7-116775043-A-G. GRCh37 (hg19) VCF-style: chr7-116415097-A-G.
Other names: c.3245A>G, p.Gln1082Arg (NM_001127500.3); c.1901A>G, p.Gln634Arg (NM_001324402.2); short protein forms Q1064R, Q634R, Q1082R.
Identifiers: ClinVar variation 1729335 (VCV001729335.3), dbSNP rs2117031546, ClinGen allele CA368988564.

ClinVar aggregate classification (germline): Uncertain significance (1 of 4 stars; one submission).

Conditions:
Hereditary cancer-predisposing syndrome. Also called: Neoplastic Syndromes, Hereditary; Tumor predisposition; Hereditary Cancer Syndrome; Hereditary neoplastic syndrome. Identifiers: Orphanet 140162, MedGen C0027672, MeSH D009386, MONDO:0015356.

Submission:

Ambry Genetics
Classification: Uncertain significance for Hereditary cancer-predisposing syndrome. Last evaluated: 2025-04-01. Review status: criteria provided, single submitter. Criteria: Ambry Variant Classification Scheme 2023. Collection method: clinical testing. Allele origin: germline.
Comment: The p.Q1082R variant (also known as c.3245A>G), located in coding exon 14 of the MET gene, results from an A to G substitution at nucleotide position 3245. The glutamine at codon 1082 is replaced by arginine, an amino acid with highly similar properties. This amino acid position is conserved. In addition, this alteration is predicted to be tolerated by in silico analysis. Since supporting evidence is limited at this time, the clinical significance of this alteration remains unclear.